The following is an entry in ClinVar:

NM_003482.4(KMT2D):c.5735C>T (p.Pro1912Leu)

Gene: KMT2D (lysine methyltransferase 2D; minus strand). Cytogenetic location: 12q13.12.
Variant type: single nucleotide variant.
Coding change: c.5735C>T on transcript NM_003482.4 (MANE Select); coding-DNA position 5735, C replaced by T.
Protein change: p.Pro1912Leu; replaces proline 1912 with leucine.
Molecular consequence: missense variant.
Genome position (GRCh38, 1-based): chr12:49,042,788, G>A on the plus strand (C>T on the coding strand, the complement: KMT2D is on the minus strand). VCF-style: chr12-49042788-G-A. GRCh37 (hg19) VCF-style: chr12-49436571-G-A.
Other names: c.5735C>T (NM_003482.3); short protein forms P1912L.
Identifiers: ClinVar variation 1613745 (VCV001613745.11), dbSNP rs749783824, ClinGen allele CA6547460.
Genomic context (GRCh38, chr12:49,042,788, plus strand): 5'-CCACCTGTATTACCTTGAAGAAAGGGCCTCTGCAGTGGCGTACGGCTGCCTTCTAGGCCA[G>A]GGGTTCCACAACCCAGATGCTGTTCTCGTTCAGAGCCCAGAACATCCTTGAAGAGCTGCT-3'
Protein context (NP_003473.3, residues 1902-1922): EREQHLGCGT[Pro1912Leu]GLEGSRTPLQ

ClinVar aggregate classification (germline): Conflicting classifications of pathogenicity. Review status: criteria provided, conflicting classifications (1 of 4 stars). 4 submissions from 4 submitters: Uncertain significance (2); Likely benign (2). Last evaluated 2026-07-01.

Conditions:
Kabuki syndrome 1 (KABUK1). Also called: KMT2D-Related Kabuki Syndrome. Identifiers: Orphanet 2322, MedGen CN030661, MONDO:0007843, OMIM 147920.
Choanal atresia-athelia-hypothyroidism-delayed puberty-short stature syndrome (BCAHH). Also called: BRANCHIAL ARCH ABNORMALITIES, CHOANAL ATRESIA, ATHELIA, HEARING LOSS, AND HYPOTHYROIDISM SYNDROME. Identifiers: Orphanet 589856, MedGen C5680310, MONDO:0035651, OMIM 620186.
Kabuki syndrome. Also called: NIIKAWA-KUROKI SYNDROME; Kabuki make-up syndrome. Identifiers: Orphanet 2322, MedGen C0796004, MONDO:0016512.
KMT2D-related disorder. Also called: KMT2D-Related Disorders.

Allele frequency attached by ClinVar (database versions not stated): TOPMed below 0.00001; gnomAD 0.00001; gnomAD exomes 0.00001; ExAC 0.00002.
gnomAD v4.1: 11 of 1,613,870 alleles (0.00068%); highest among the groups gnomAD compares: Middle Eastern, 0.016%; no homozygotes.

Submissions (4):

CeGaT Center for Human Genetics Tuebingen
Classification: Likely benign. Last evaluated: 2026-07-01. Review status: criteria provided, single submitter. Criteria: CeGaT Center For Human Genetics Tuebingen Variant Classification Criteria Version 2. Collection method: clinical testing. Allele origin: germline. Affected: yes. Observed: 1 variant allele.
Comment: KMT2D: BS2

Labcorp Genetics (formerly Invitae), Labcorp
Classification: Likely benign for Kabuki syndrome. Last evaluated: 2025-10-23. Review status: criteria provided, single submitter. Criteria: Invitae Variant Classification Sherloc (09022015). Collection method: clinical testing. Allele origin: germline.

PreventionGenetics, part of Exact Sciences
Classification: Uncertain significance for KMT2D-related condition. Last evaluated: 2025-04-20. Review status: criteria provided, single submitter. Criteria: ACMG Guidelines, 2015. Collection method: clinical testing. Allele origin: germline.
Comment: The KMT2D c.5735C>T variant is predicted to result in the amino acid substitution p.Pro1912Leu. To our knowledge, this variant has not been reported in the literature. This variant is reported in 0.0033% of alleles in individuals of South Asian descent in gnomAD. At this time, the clinical significance of this variant is uncertain due to the absence of conclusive functional and genetic evidence.

Fulgent Genetics
Classification: Uncertain significance for Kabuki syndrome 1; Choanal atresia-athelia-hypothyroidism-delayed puberty-short stature syndrome. Last evaluated: 2024-02-13. Review status: criteria provided, single submitter. Criteria: ACMG Guidelines, 2015. Collection method: clinical testing. Allele origin: germline.